The following is an entry in ClinVar:

ClinVar aggregate classification (germline): Uncertain significance. Review status: criteria provided, single submitter (1 of 4 stars). 3 submissions from 3 submitters: Uncertain significance (1). 2 of the submissions do not count toward it. Last evaluated 2022-11-01.

Conditions:
Autism (AUTS). Also called: Autistic disorder of childhood onset; Autistic disorder. Identifiers: MedGen C0004352, MeSH D001321, MONDO:0005260, OMIM 209850, HP:0000717.

Allele frequency attached by ClinVar (database versions not stated): TOPMed 0.00007; gnomAD 0.00009 and 0.00010; gnomAD exomes 0.00010 and 0.00014; ExAC 0.00012; ESP Exome Variant Server 0.00023.

Submissions (3):

CeGaT Center for Human Genetics Tuebingen
Classification: Uncertain significance. Last evaluated: 2022-11-01. Review status: criteria provided, single submitter. Criteria: CeGaT Center For Human Genetics Tuebingen Variant Classification Criteria Version 2. Collection method: clinical testing. Allele origin: germline. Affected: yes. Observed: 1 variant allele.
Comment: SHANK3: PP2, BP4

Genetics Laboratory, Facudade de Medicina de Sao Jose do Rio Preto
Classification: Uncertain significance for Autism. Last evaluated: 2016-01-01. Review status: no assertion criteria provided. Collection method: research. Allele origin: unknown. Affected: yes. Observed: 1 variant allele. Not counted in ClinVar's aggregate classification.

Department of Pathology and Laboratory Medicine, Sinai Health System
Classification: Uncertain significance. Review status: no assertion criteria provided. Collection method: clinical testing. Allele origin: unknown. Affected: yes. Study: The Canadian Open Genetics Repository (COGR). Not counted in ClinVar's aggregate classification.

NM_001372044.2(SHANK3):c.4441C>G (p.Leu1481Val)

Gene: SHANK3 (SH3 and multiple ankyrin repeat domains 3; plus strand). Cytogenetic location: 22q13.33.
Variant type: single nucleotide variant.
Coding change: c.4441C>G on transcript NM_001372044.2 (MANE Select); coding-DNA position 4441, C replaced by G.
Protein change: p.Leu1481Val; replaces leucine 1481 with valine.
Molecular consequence: missense variant.
Genome position (GRCh38, 1-based): chr22:50,722,049, C>G. VCF-style: chr22-50722049-C-G. GRCh37 (hg19) VCF-style: chr22-51160477-C-G.
Other names: c.4216C>G, p.Leu1406Val (NM_033517.1); short protein forms L1406V, L1481V.
Identifiers: ClinVar variation 437885 (VCV000437885.28), dbSNP rs201973139, ClinGen allele CA10326226.